The following is an entry in ClinVar:

NM_000092.5(COL4A4):c.3398-1G>T

Gene: COL4A4 (collagen type IV alpha 4 chain; minus strand). Cytogenetic location: 2q36.3.
Variant type: single nucleotide variant.
Coding change: c.3398-1G>T on transcript NM_000092.5 (MANE Select); the canonical splice acceptor site of the intron before coding-DNA position 3398, G replaced by T.
Molecular consequence: splice acceptor variant.
Genome position (GRCh38, 1-based): chr2:227,042,256, C>A on the plus strand (G>T on the coding strand, the complement: COL4A4 is on the minus strand). VCF-style: chr2-227042256-C-A. GRCh37 (hg19) VCF-style: chr2-227906972-C-A.
Identifiers: ClinVar variation 2003635 (VCV002003635.4), dbSNP rs2473693902, ClinGen allele CA350838376.

ClinVar aggregate classification (germline): Likely pathogenic (1 of 4 stars; one submission).

Submission:

Labcorp Genetics (formerly Invitae), Labcorp
Classification: Likely pathogenic. Last evaluated: 2024-03-04. Review status: criteria provided, single submitter. Criteria: Invitae Variant Classification Sherloc (09022015). Collection method: clinical testing. Allele origin: germline.
Comment: This sequence change affects an acceptor splice site in intron 36 of the COL4A4 gene. It is expected to disrupt RNA splicing. Variants that disrupt the donor or acceptor splice site typically lead to a loss of protein function (PMID: 16199547), and loss-of-function variants in COL4A4 are known to be pathogenic (PMID: 21196518, 24854265, 25307543). This variant is not present in population databases (gnomAD no frequency). This variant has not been reported in the literature in individuals affected with COL4A4-related conditions. ClinVar contains an entry for this variant (Variation ID: 2003635). Algorithms developed to predict the effect of sequence changes on RNA splicing suggest that this variant may disrupt the consensus splice site. In summary, the currently available evidence indicates that the variant is pathogenic, but additional data are needed to prove that conclusively. Therefore, this variant has been classified as Likely Pathogenic.

Literature cited by the submitters: PubMed 16199547; PubMed 21196518; PubMed 24854265; PubMed 25307543.